The following is an entry in ClinVar:

ClinVar aggregate classification (germline): Uncertain significance. Review status: criteria provided, multiple submitters, no conflicts (2 of 4 stars). 2 submissions from 2 submitters: Uncertain significance (2). Last evaluated 2025-07-22.

Conditions:
DICER1-related tumor predisposition. Also called: DICER1-related pleuropulmonary blastoma cancer predisposition syndrome; DICER1 syndrome. Identifiers: Orphanet 284343, MedGen C3839822, MONDO:0100216.
Hereditary cancer-predisposing syndrome. Also called: Neoplastic Syndromes, Hereditary; Hereditary Cancer Syndrome; Hereditary neoplastic syndrome; Tumor predisposition. Identifiers: Orphanet 140162, MedGen C0027672, MeSH D009386, MONDO:0015356.

Submissions (2):

Labcorp Genetics (formerly Invitae), Labcorp
Classification: Uncertain significance for DICER1-related tumor predisposition. Last evaluated: 2025-07-22. Review status: criteria provided, single submitter. Criteria: Invitae Variant Classification Sherloc (09022015). Collection method: clinical testing. Allele origin: germline.
Comment: This sequence change replaces leucine, which is neutral and non-polar, with proline, which is neutral and non-polar, at codon 1202 of the DICER1 protein (p.Leu1202Pro). This variant is not present in population databases (gnomAD no frequency). This variant has not been reported in the literature in individuals affected with DICER1-related conditions. ClinVar contains an entry for this variant (Variation ID: 823980). Invitae Evidence Modeling of protein sequence and biophysical properties (such as structural, functional, and spatial information, amino acid conservation, physicochemical variation, residue mobility, and thermodynamic stability) indicates that this missense variant is not expected to disrupt DICER1 protein function with a negative predictive value of 95%. In summary, the available evidence is currently insufficient to determine the role of this variant in disease. Therefore, it has been classified as a Variant of Uncertain Significance.

Ambry Genetics
Classification: Uncertain significance for Hereditary cancer-predisposing syndrome. Last evaluated: 2024-07-17. Review status: criteria provided, single submitter. Criteria: Ambry Variant Classification Scheme 2023. Collection method: clinical testing. Allele origin: germline.
Comment: The p.L1202P variant (also known as c.3605T>C), located in coding exon 20 of the DICER1 gene, results from a T to C substitution at nucleotide position 3605. The leucine at codon 1202 is replaced by proline, an amino acid with similar properties. This amino acid position is well conserved in available vertebrate species. In addition, the in silico prediction for this alteration is inconclusive. Based on the available evidence, the clinical significance of this variant remains unclear.

NM_177438.3(DICER1):c.3605T>C (p.Leu1202Pro)

Gene: DICER1 (dicer 1, ribonuclease III; minus strand). Cytogenetic location: 14q32.13.
Variant type: single nucleotide variant.
Coding change: c.3605T>C on transcript NM_177438.3 (MANE Select); coding-DNA position 3605, T replaced by C.
Protein change: p.Leu1202Pro; replaces leucine 1202 with proline.
Molecular consequence: missense variant.
Genome position (GRCh38, 1-based): chr14:95,103,791, A>G on the plus strand (T>C on the coding strand, the complement: DICER1 is on the minus strand). VCF-style: chr14-95103791-A-G. GRCh37 (hg19) VCF-style: chr14-95570128-A-G.
Other names: c.3605T>C, p.Leu1202Pro (NM_001195573.1, NM_001271282.3, NM_001291628.2 and 1 more transcripts); short protein forms L1202P.
Identifiers: ClinVar variation 823980 (VCV000823980.14), dbSNP rs1595365826, ClinGen allele CA390874720.